The following is an entry in ClinVar:

NM_004958.4(MTOR):c.6454C>T (p.Arg2152Cys)

Gene: MTOR (mechanistic target of rapamycin kinase; minus strand). Cytogenetic location: 1p36.22.
Variant type: single nucleotide variant.
Coding change: c.6454C>T on transcript NM_004958.4 (MANE Select); coding-DNA position 6454, C replaced by T.
Protein change: p.Arg2152Cys; replaces arginine 2152 with cysteine.
Molecular consequence: missense variant.
Genome position (GRCh38, 1-based): chr1:11,126,694, G>A on the plus strand (C>T on the coding strand, the complement: MTOR is on the minus strand). VCF-style: chr1-11126694-G-A. GRCh37 (hg19) VCF-style: chr1-11186751-G-A.
Other names: short protein forms R2152C.
Identifiers: ClinVar variation 1022312 (VCV001022312.9), dbSNP rs752458445, ClinGen allele CA589097.

ClinVar aggregate classification (germline): Conflicting classifications of pathogenicity. Review status: criteria provided, conflicting classifications (1 of 4 stars). 2 submissions from 2 submitters: Uncertain significance (1); Likely benign (1). Last evaluated 2026-09-01.

Allele frequency attached by ClinVar (database versions not stated): gnomAD exomes below 0.00001; ExAC 0.00001; gnomAD 0.00001; TOPMed 0.00001.
gnomAD v4.1: 7 of 1,613,864 alleles (0.00043%); highest among the groups gnomAD compares: African/African-American, 0.0067%; no homozygotes.

Submissions (2):

CeGaT Center for Human Genetics Tuebingen
Classification: Uncertain significance. Last evaluated: 2026-09-01. Review status: criteria provided, single submitter. Criteria: CeGaT Center For Human Genetics Tuebingen Variant Classification Criteria Version 2. Collection method: clinical testing. Allele origin: germline. Affected: yes. Observed: 1 variant allele.
Comment: MTOR: PP2

Labcorp Genetics (formerly Invitae), Labcorp
Classification: Likely benign. Last evaluated: 2023-08-22. Review status: criteria provided, single submitter. Criteria: Invitae Variant Classification Sherloc (09022015). Collection method: clinical testing. Allele origin: germline.